The following is an entry in ClinVar:

NM_001015880.2(PAPSS2):c.1246C>T (p.Arg416Cys)

Gene: PAPSS2 (3'-phosphoadenosine 5'-phosphosulfate synthase 2; plus strand). Cytogenetic location: 10q23.31.
Variant type: single nucleotide variant.
Coding change: c.1246C>T on transcript NM_001015880.2 (MANE Select); coding-DNA position 1246, C replaced by T.
Protein change: p.Arg416Cys; replaces arginine 416 with cysteine.
Molecular consequence: missense variant.
Genome position (GRCh38, 1-based): chr10:87,743,396, C>T. VCF-style: chr10-87743396-C-T. GRCh37 (hg19) VCF-style: chr10-89503153-C-T.
Other names: c.1231C>T, p.Arg411Cys (NM_004670.4); short protein forms R411C, R416C.
Identifiers: ClinVar variation 2045503 (VCV002045503.1), dbSNP rs374301331, ClinGen allele CA5589709.
Genomic context (GRCh38, chr10:87,743,396, plus strand): 5'-TTTCTGTGACCTTCCTTCTTCTGCTTTCCTCTCCCAGATGCGGTGTTTGCATTCCAGTTG[C>T]GCAATCCTGTCCACAATGGCCATGCCCTGTTGATGCAGGACACTCGCCGCAGGCTCCTAG-3'
Protein context (NP_001015880.1, residues 406-426): NADAVFAFQL[Arg416Cys]NPVHNGHALL

ClinVar aggregate classification (germline): Uncertain significance (1 of 4 stars; one submission).

Conditions:
Spondyloepimetaphyseal dysplasia, PAPSS2 type. Also called: SEMD, PAKISTANI TYPE; BRACHYOLMIA TYPE 4 WITH MILD EPIPHYSEAL AND METAPHYSEAL CHANGES; SPONDYLODYSPLASIA AND PREMATURE PUBARCHE. Identifiers: Orphanet 93282, MedGen C2748516, MONDO:0019666, OMIM 612847.

Allele frequency attached by ClinVar (database versions not stated): 1000 Genomes Project 0.00040; gnomAD 0.00005; TOPMed 0.00006; gnomAD exomes 0.00008; ExAC 0.00012; 1000 Genomes Project 30x 0.00031.
gnomAD v4.1: 116 of 1,613,952 alleles (0.0072%); highest among the groups gnomAD compares: South Asian, 0.086%; no homozygotes.

Submission:

Labcorp Genetics (formerly Invitae), Labcorp
Classification: Uncertain significance for Spondyloepimetaphyseal dysplasia, PAPSS2 type. Last evaluated: 2022-08-09. Review status: criteria provided, single submitter. Criteria: Invitae Variant Classification Sherloc (09022015). Collection method: clinical testing. Allele origin: germline.
Comment: This sequence change replaces arginine, which is basic and polar, with cysteine, which is neutral and slightly polar, at codon 416 of the PAPSS2 protein (p.Arg416Cys). This variant is present in population databases (rs374301331, gnomAD 0.06%). This variant has not been reported in the literature in individuals affected with PAPSS2-related conditions. Algorithms developed to predict the effect of missense changes on protein structure and function are either unavailable or do not agree on the potential impact of this missense change (SIFT: "Deleterious"; PolyPhen-2: "Probably Damaging"; Align-GVGD: "Class C0"). In summary, the available evidence is currently insufficient to determine the role of this variant in disease. Therefore, it has been classified as a Variant of Uncertain Significance.